The following is an entry in ClinVar:

ClinVar aggregate classification (germline): Uncertain significance. Review status: criteria provided, multiple submitters, no conflicts (2 of 4 stars). 2 submissions from 2 submitters: Uncertain significance (2). Last evaluated 2025-12-23.

Conditions:
Tumor predisposition syndrome 3 (TPDS3). Also called: Glioma susceptibility 9; LONG TELOMERE SYNDROME, POT1-RELATED; POT1 Tumor Predisposition; Melanoma, cutaneous malignant, susceptibility to, 10. Identifiers: Orphanet 618, MedGen C4014476, MONDO:0014368, OMIM 615848.
Hereditary cancer-predisposing syndrome. Also called: Neoplastic Syndromes, Hereditary; Tumor predisposition; Hereditary Cancer Syndrome; Hereditary neoplastic syndrome. Identifiers: Orphanet 140162, MedGen C0027672, MeSH D009386, MONDO:0015356.

Submissions (2):

Ambry Genetics
Classification: Uncertain significance for Hereditary cancer-predisposing syndrome. Last evaluated: 2025-12-23. Review status: criteria provided, single submitter. Criteria: Ambry Variant Classification Scheme 2023. Collection method: clinical testing. Allele origin: germline.
Comment: The p.Y558H variant (also known as c.1672T>C), located in coding exon 13 of the POT1 gene, results from a T to C substitution at nucleotide position 1672. The tyrosine at codon 558 is replaced by histidine, an amino acid with similar properties. This amino acid position is conserved. In addition, this alteration is predicted to be tolerated by in silico analysis. Based on the available evidence, the clinical significance of this variant remains unclear.

Labcorp Genetics (formerly Invitae), Labcorp
Classification: Uncertain significance for Tumor predisposition syndrome 3. Last evaluated: 2025-07-20. Review status: criteria provided, single submitter. Criteria: Invitae Variant Classification Sherloc (09022015). Collection method: clinical testing. Allele origin: germline.
Comment: This sequence change replaces tyrosine, which is neutral and polar, with histidine, which is basic and polar, at codon 558 of the POT1 protein (p.Tyr558His). This variant is not present in population databases (gnomAD no frequency). This variant has not been reported in the literature in individuals affected with POT1-related conditions. ClinVar contains an entry for this variant (Variation ID: 3685805). Invitae Evidence Modeling of protein sequence and biophysical properties (such as structural, functional, and spatial information, amino acid conservation, physicochemical variation, residue mobility, and thermodynamic stability) indicates that this missense variant is not expected to disrupt POT1 protein function with a negative predictive value of 80%. In summary, the available evidence is currently insufficient to determine the role of this variant in disease. Therefore, it has been classified as a Variant of Uncertain Significance.

NM_015450.3(POT1):c.1672T>C (p.Tyr558His)

Gene: POT1 (protection of telomeres 1; minus strand). Cytogenetic location: 7q31.33.
Variant type: single nucleotide variant.
Coding change: c.1672T>C on transcript NM_015450.3 (MANE Select); coding-DNA position 1672, T replaced by C.
Protein change: p.Tyr558His; replaces tyrosine 558 with histidine.
Molecular consequence: missense variant. On other transcripts: non-coding transcript variant (3).
Genome position (GRCh38, 1-based): chr7:124,827,228, A>G on the plus strand (T>C on the coding strand, the complement: POT1 is on the minus strand). VCF-style: chr7-124827228-A-G. GRCh37 (hg19) VCF-style: chr7-124467282-A-G.
Other names: c.1672T>C (NM_015450.2); c.1279T>C, p.Tyr427His (NM_001042594.2); short protein forms Y427H, Y558H.
Identifiers: ClinVar variation 3685805 (VCV003685805.3).